The following is an entry in ClinVar:

NM_170682.4(P2RX2):c.1143G>A (p.Val381=)

Gene: P2RX2 (purinergic receptor P2X 2; plus strand). Cytogenetic location: 12q24.33.
Variant type: single nucleotide variant.
Coding change: c.1143G>A on transcript NM_170682.4 (MANE Select); coding-DNA position 1143, G replaced by A.
Protein change: p.Val381=; no amino-acid change (valine 381 retained).
Molecular consequence: synonymous variant. On other transcripts: 3 prime UTR variant (1), intron variant (2).
Genome position (GRCh38, 1-based): chr12:132,621,699, G>A. VCF-style: chr12-132621699-G-A. GRCh37 (hg19) VCF-style: chr12-133198285-G-A.
Other names: c.*190G>A (NM_001282165.2); c.927G>A, p.Val309= (NM_012226.5); c.1071G>A, p.Val357= (NM_016318.4); c.1221G>A, p.Val407= (NM_170683.4); c.867G>A, p.Val289= (NM_174872.3); c.1140+3G>A (NM_174873.3); c.1038+3G>A (NM_001282164.2).
Identifiers: ClinVar variation 3412978 (VCV003412978.3).
Genomic context (GRCh38, chr12:132,621,699, plus strand): 5'-GATCTTGCTAACATTCATGAACAAAAACAAGGTCTACAGCCATAAGAAATTTGACAAGGT[G>A]TGTACGCCGAGCCACCCCTCAGGTAGCTGGCCTGTGACCCTTGCCCGTGTATTGGGCCAG-3'
Protein context (NP_733782.1, residues 371-391): KVYSHKKFDK[Val381=]CTPSHPSGSW

ClinVar aggregate classification (germline): Conflicting classifications of pathogenicity. Review status: criteria provided, conflicting classifications (1 of 4 stars). 3 submissions from 3 submitters: Uncertain significance (1); Likely benign (2). Last evaluated 2025-09-01.

gnomAD v4.1: 98 of 1,613,590 alleles (0.0061%); highest among the groups gnomAD compares: Non-Finnish European, 0.006%; no homozygotes.

Submissions (3):

Labcorp Genetics (formerly Invitae), Labcorp
Classification: Uncertain significance. Last evaluated: 2025-09-01. Review status: criteria provided, single submitter. Criteria: Invitae Variant Classification Sherloc (09022015). Collection method: clinical testing. Allele origin: germline.
Comment: This sequence change falls in intron 11 of the P2RX2 gene. It does not directly change the encoded amino acid sequence of the P2RX2 protein. It affects a nucleotide within the consensus splice site. This variant is present in population databases (rs200650318, gnomAD 0.03%). This variant has not been reported in the literature in individuals affected with P2RX2-related conditions. ClinVar contains an entry for this variant (Variation ID: 3412978). Variants that disrupt the consensus splice site are a relatively common cause of aberrant splicing (PMID: 17576681, 9536098). Algorithms developed to predict the effect of sequence changes on RNA splicing suggest that this variant is not likely to affect RNA splicing. In summary, the available evidence is currently insufficient to determine the role of this variant in disease. Therefore, it has been classified as a Variant of Uncertain Significance.

Ambry Genetics
Classification: Likely benign. Last evaluated: 2024-08-20. Review status: criteria provided, single submitter. Criteria: Ambry Variant Classification Scheme 2023. Collection method: clinical testing. Allele origin: germline.

Blueprint Genetics
Classification: Likely benign. Last evaluated: 2022-05-13. Review status: criteria provided, single submitter. Criteria: ACMG Guidelines, 2015. Collection method: clinical testing. Allele origin: germline.

Literature cited by the submitters: PubMed 17576681 (cited by Labcorp Genetics (formerly Invitae), Labcorp); PubMed 9536098 (cited by Labcorp Genetics (formerly Invitae), Labcorp).